The following is an entry in ClinVar:

NM_000038.6(APC):c.4167dup (p.Val1390fs)

Gene: APC (APC regulator of Wnt signaling pathway; plus strand). Cytogenetic location: 5q22.2.
Variant type: Duplication.
Coding change: c.4167dup on transcript NM_000038.6 (MANE Select); coding-DNA position 4167, one base duplicated (T; older notation c.4167dupT).
Protein change: p.Val1390fs; shifts the reading frame from valine 1390.
Molecular consequence: frameshift variant.
Genome position (GRCh38, 1-based): chr5:112,839,761, T duplicated. VCF-style (leftmost placement, unchanged base first): chr5-112839760-C-CT. GRCh37 (hg19) VCF-style: chr5-112175457-C-CT.
Other names: c.4167dup, p.Val1390fs (NM_001127510.3, NM_001354895.2); c.4113dup, p.Val1372fs (NM_001127511.3); c.4221dup, p.Val1408fs (NM_001354896.2); c.4197dup, p.Val1400fs (NM_001354897.2); c.4092dup, p.Val1365fs (NM_001354898.2); c.4083dup, p.Val1362fs (NM_001354899.2); c.4044dup, p.Val1349fs (NM_001354900.2); c.3990dup, p.Val1331fs (NM_001354901.2); and 6 more; short protein forms V1107fs, V1365fs, V1400fs, V1230fs, V1289fs, V1362fs, V1390fs, V1264fs.
Identifiers: ClinVar variation 429059 (VCV000429059.5), dbSNP rs1131691146, ClinGen allele CA645369378.

ClinVar aggregate classification (germline): Pathogenic (1 of 4 stars; one submission).

Conditions:
Hereditary cancer-predisposing syndrome. Also called: Hereditary Cancer Syndrome; Neoplastic Syndromes, Hereditary; Hereditary neoplastic syndrome; Tumor predisposition. Identifiers: Orphanet 140162, MedGen C0027672, MeSH D009386, MONDO:0015356.

Submission:

Ambry Genetics
Classification: Pathogenic for Hereditary cancer-predisposing syndrome. Last evaluated: 2014-08-27. Review status: criteria provided, single submitter. Criteria: Ambry Variant Classification Scheme 2023. Collection method: clinical testing. Allele origin: germline.
Comment: The c.4167dupT pathogenic mutation, located in coding exon 15 of the APC gene, results from a duplication of T at position 4167, causing a translational frameshift with a predicted alternate stop codon. Since frameshifts are typically deleterious in nature, this alteration is interpreted as a disease-causing mutation (ACMG Recommendations for Standards for Interpretation and Reporting of Sequence Variations. Revision 2007. Genet Med. 2008;10:294).